The following is an entry in ClinVar:

ClinVar aggregate classification (germline): Uncertain significance. Review status: criteria provided, multiple submitters, no conflicts (2 of 4 stars). 6 submissions from 6 submitters: Uncertain significance (6). Last evaluated 2025-09-04.

Conditions:
Malignant hyperthermia, susceptibility to, 1 (MHS1). Also called: Anesthesia related hyperthermia; Malignant hyperpyrexia; Fulminating hyperpyrexia; Pharmacogenic myopathy; RYR1-Related Malignant Hyperthermia Susceptibility; Malignant hyperthermia suceptibility 1. Identifiers: Orphanet 423, MedGen C2930980, MONDO:0007783, OMIM 145600.
Congenital myopathy with fiber type disproportion. Also called: Congenital fiber-type disproportion; Congenital fiber-type disproportion myopathy. Identifiers: Orphanet 2020, MedGen C0546264, MONDO:0009711. Inheritance: all.
Central core myopathy (CMYO1A). Also called: CONGENITAL MYOPATHY 1A, AUTOSOMAL DOMINANT, WITH SUSCEPTIBILITY TO MALIGNANT HYPERTHERMIA; Central core disease; Myopathy, central fibrillar. Identifiers: Orphanet 597, MedGen C5830701, MONDO:0007294, OMIM 117000.
Congenital multicore myopathy with external ophthalmoplegia (CMYO1B). Also called: MULTICORE MYOPATHY; MULTIMINICORE DISEASE WITH EXTERNAL OPHTHALMOPLEGIA; Congenital myopathy 1B, autosomal recessive; Minicore myopathy; Minicore myopathy with external ophthalmoplegia. Identifiers: Orphanet 598, Orphanet 98905, MedGen C1850674, MONDO:0009712, OMIM 255320, HP:0003789.
King Denborough syndrome (KDS). Identifiers: MedGen C1840365, MONDO:0020485, OMIM 619542.
RYR1-related disorder. Also called: RYR1-related disorders; RYR1-related condition. Identifiers: MedGen CN239331.
Inborn genetic diseases. Identifiers: MedGen C0950123, MeSH D030342.

Allele frequency attached by ClinVar (database versions not stated): gnomAD exomes 0.00001 and 0.00002; ExAC 0.00004; TOPMed 0.00005; gnomAD 0.00006; ESP Exome Variant Server 0.00008; 1000 Genomes Project 30x 0.00016; 1000 Genomes Project 0.00020.
gnomAD v4.1: 25 of 1,613,942 alleles (0.0015%); highest among the groups gnomAD compares: East Asian, 0.027%; no homozygotes.

Submissions (6):

Color Diagnostics, LLC DBA Color Health
Classification: Uncertain significance for Malignant hyperthermia, susceptibility to, 1. Last evaluated: 2025-09-04. Review status: criteria provided, single submitter. Criteria: ACMG Guidelines, 2015. Collection method: clinical testing. Allele origin: germline.
Comment: This missense variant replaces alanine with valine at codon 3481 of the RYR1 protein. Computational prediction suggests that this variant may not impact protein structure and function. To our knowledge, functional studies have not been reported for this variant. This variant has not been reported in individuals affected with RYR1-related disorders in the literature. This variant has not been identified in the general population by the Genome Aggregation Database (gnomAD). The available evidence is insufficient to determine the role of this variant in disease conclusively. Therefore, this variant is classified as a Variant of Uncertain Significance.

Ambry Genetics
Classification: Uncertain significance for Inborn genetic diseases. Last evaluated: 2025-08-10. Review status: criteria provided, single submitter. Criteria: Ambry Variant Classification Scheme 2023. Collection method: clinical testing. Allele origin: germline.

All of Us Research Program, National Institutes of Health
Classification: Uncertain significance for Malignant hyperthermia, susceptibility to, 1. Last evaluated: 2023-11-02. Review status: criteria provided, single submitter. Criteria: ACMG Guidelines, 2015. Collection method: clinical testing. Allele origin: germline. Inheritance: Autosomal dominant inheritance. Observed: 2 variant alleles, 2 heterozygotes.
Comment: This missense variant replaces alanine with valine at codon 3481 of the RYR1 protein. Computational prediction suggests that this variant may not impact protein structure and function (internally defined REVEL score threshold <= 0.5, PMID: 27666373). To our knowledge, functional studies have not been reported for this variant. This variant has not been reported in individuals affected with RYR1-related disorders in the literature. This variant has not been identified in the general population by the Genome Aggregation Database (gnomAD). The available evidence is insufficient to determine the role of this variant in disease conclusively. Therefore, this variant is classified as a Variant of Uncertain Significance.

This study involves interpretation of variants in research participants for the purpose of population health screening. Participant phenotype was not available at the time of variant classification. Additional details can be found in publication PMID: 35346344, PMCID: PMC8962531

Labcorp Genetics (formerly Invitae), Labcorp
Classification: Uncertain significance for RYR1-related disorder. Last evaluated: 2022-06-20. Review status: criteria provided, single submitter. Criteria: Invitae Variant Classification Sherloc (09022015). Collection method: clinical testing. Allele origin: germline.
Comment: This sequence change replaces alanine, which is neutral and non-polar, with valine, which is neutral and non-polar, at codon 3481 of the RYR1 protein (p.Ala3481Val). The frequency data for this variant in the population databases is considered unreliable, as metrics indicate poor data quality at this position in the gnomAD database. This variant has not been reported in the literature in individuals affected with RYR1-related conditions. ClinVar contains an entry for this variant (Variation ID: 852128). Algorithms developed to predict the effect of missense changes on protein structure and function output the following: SIFT: "Deleterious"; PolyPhen-2: "Benign"; Align-GVGD: "Class C0". The valine amino acid residue is found in multiple mammalian species, which suggests that this missense change does not adversely affect protein function. Algorithms developed to predict the effect of sequence changes on RNA splicing suggest that this variant may disrupt the consensus splice site. In summary, the available evidence is currently insufficient to determine the role of this variant in disease. Therefore, it has been classified as a Variant of Uncertain Significance.

Revvity Omics, Revvity
Classification: Uncertain significance. Last evaluated: 2022-06-15. Review status: criteria provided, single submitter. Criteria: ACMG Guidelines, 2015. Collection method: clinical testing. Allele origin: germline.

Fulgent Genetics
Classification: Uncertain significance for Central core myopathy; Malignant hyperthermia, susceptibility to, 1; Congenital myopathy 4A, autosomal dominant; Congenital multicore myopathy with external ophthalmoplegia; King Denborough syndrome. Last evaluated: 2021-11-02. Review status: criteria provided, single submitter. Criteria: ACMG Guidelines, 2015. Collection method: clinical testing. Allele origin: unknown.

NM_000540.3(RYR1):c.10442C>T (p.Ala3481Val)

Gene: RYR1 (ryanodine receptor 1; plus strand). Cytogenetic location: 19q13.2.
Variant type: single nucleotide variant.
Coding change: c.10442C>T on transcript NM_000540.3 (MANE Select); coding-DNA position 10442, C replaced by T.
Protein change: p.Ala3481Val; replaces alanine 3481 with valine.
Molecular consequence: missense variant. On other transcripts: intron variant (1).
Genome position (GRCh38, 1-based): chr19:38,523,916, C>T. VCF-style: chr19-38523916-C-T. GRCh37 (hg19) VCF-style: chr19-39014556-C-T.
Other names: c.10440+607C>T (NM_001042723.2); short protein forms A3481V.
Identifiers: ClinVar variation 852128 (VCV000852128.13), dbSNP rs370630840, ClinGen allele CA053554.